The following is an entry in ClinVar:

NM_002471.4(MYH6):c.202-3C>T

Genes: MYH6 (myosin heavy chain 6; minus strand), LOC114827851 (VISTA enhancer hs2155; plus strand). Cytogenetic location: 14q11.2.
Variant type: single nucleotide variant.
Coding change: c.202-3C>T on transcript NM_002471.4 (MANE Select); 3 bases into the intron before coding-DNA position 202, C replaced by T.
Molecular consequence: intron variant.
Genome position (GRCh38, 1-based): chr14:23,405,773, G>A on the plus strand (C>T on the coding strand, the complement: MYH6 is on the minus strand). VCF-style: chr14-23405773-G-A. GRCh37 (hg19) VCF-style: chr14-23874982-G-A.
Identifiers: ClinVar variation 2712872 (VCV002712872.3), dbSNP rs1308728625, ClinGen allele CA612935776.

ClinVar aggregate classification (germline): Uncertain significance (1 of 4 stars; one submission).

Conditions:
Hypertrophic cardiomyopathy 14. Identifiers: MedGen C2750467, MONDO:0013197, OMIM 613251.

Allele frequency attached by ClinVar (database versions not stated): gnomAD exomes below 0.00001.

Submission:

Labcorp Genetics (formerly Invitae), Labcorp
Classification: Uncertain significance for Hypertrophic cardiomyopathy 14. Last evaluated: 2023-12-21. Review status: criteria provided, single submitter. Criteria: Invitae Variant Classification Sherloc (09022015). Collection method: clinical testing. Allele origin: germline.
Comment: This sequence change falls in intron 3 of the MYH6 gene. It does not directly change the encoded amino acid sequence of the MYH6 protein. It affects a nucleotide within the consensus splice site. This variant is present in population databases (no rsID available, gnomAD 0.002%). This variant has not been reported in the literature in individuals affected with MYH6-related conditions. Variants that disrupt the consensus splice site are a relatively common cause of aberrant splicing (PMID: 17576681, 9536098). Algorithms developed to predict the effect of sequence changes on RNA splicing suggest that this variant is not likely to affect RNA splicing. In summary, the available evidence is currently insufficient to determine the role of this variant in disease. Therefore, it has been classified as a Variant of Uncertain Significance.

Literature cited by the submitters: PubMed 17576681; PubMed 9536098.